The following is an entry in ClinVar:

ClinVar aggregate classification (germline): Likely benign. Review status: criteria provided, single submitter (1 of 4 stars). 2 submissions from 2 submitters: Likely benign (1). 1 of the submissions does not count toward it. Last evaluated 2023-04-15.

Conditions:
MYO5B-related disorder. Also called: MYO5B-related condition.

Submissions (2):

Labcorp Genetics (formerly Invitae), Labcorp
Classification: Likely benign. Last evaluated: 2023-04-15. Review status: criteria provided, single submitter. Criteria: Invitae Variant Classification Sherloc (09022015). Collection method: clinical testing. Allele origin: germline.

PreventionGenetics, part of Exact Sciences
Classification: Likely benign for MYO5B-related condition. Last evaluated: 2024-05-02. Review status: no assertion criteria provided. Collection method: clinical testing. Allele origin: germline. Not counted in ClinVar's aggregate classification.
Comment: This variant is classified as likely benign based on ACMG/AMP sequence variant interpretation guidelines (Richards et al. 2015 PMID: 25741868, with internal and published modifications).

NM_001080467.3(MYO5B):c.1404+7T>C

Gene: MYO5B (myosin VB; minus strand). Cytogenetic location: 18q21.1.
Variant type: single nucleotide variant.
Coding change: c.1404+7T>C on transcript NM_001080467.3 (MANE Select); 7 bases into the intron after coding-DNA position 1404, T replaced by C.
Molecular consequence: intron variant.
Genome position (GRCh38, 1-based): chr18:49,962,942, A>G on the plus strand (T>C on the coding strand, the complement: MYO5B is on the minus strand). VCF-style: chr18-49962942-A-G. GRCh37 (hg19) VCF-style: chr18-47489312-A-G.
Other names: c.1404+7T>C (NM_001080467.2).
Identifiers: ClinVar variation 2972792 (VCV002972792.4), dbSNP rs2511324923, ClinGen allele CA2561317904.